The following is an entry in ClinVar:

ClinVar aggregate classification (germline): Uncertain significance (1 of 4 stars; one submission).

Conditions:
Ectodermal dysplasia 9, hair/nail type (ECTD9). Identifiers: Orphanet 69084, MedGen C3554127, MONDO:0013976, OMIM 614931.

Submission:

OLLIN Analises Genomicas, OLLIN
Classification: Uncertain significance for Ectodermal dysplasia 9, hair/nail type. Last evaluated: 2026-08-06. Review status: criteria provided, single submitter. Criteria: ACMG Guidelines 2015 PMID 25741868. Collection method: clinical testing. Allele origin: germline.
Comment: This missense variant, located in exon 2 (of 2), is absent from gnomAD and ClinVar and has not been identified in the literature. In silico analysis predicts that this variant has a deleterious effect. According to the currently available evidence, this variant has been classified as uncertain significance (PM2_P, PP3_S).

NM_017410.3(HOXC13):c.919T>C (p.Trp307Arg)

Gene: HOXC13 (homeobox C13; plus strand). Cytogenetic location: 12q13.13.
Variant type: single nucleotide variant.
Coding change: c.919T>C on transcript NM_017410.3 (MANE Select); coding-DNA position 919, T replaced by C.
Protein change: p.Trp307Arg; replaces tryptophan 307 with arginine.
Molecular consequence: missense variant.
Genome position (GRCh38, 1-based): chr12:53,945,182, T>C. VCF-style: chr12-53945182-T-C. GRCh37 (hg19) VCF-style: chr12-54338966-T-C.
Other names: short protein forms W307R.
Identifiers: ClinVar variation 5002945 (VCV005002945.1).
Genomic context (GRCh38, chr12:53,945,182, plus strand): 5'-AAAGAGAAGCGCCGGCGCATCTCCGCCACCACGAACCTCTCTGAGCGCCAGGTAACCATC[T>C]GGTTCCAGAACCGGCGGGTCAAAGAGAAGAAGGTGGTCAGCAAATCGAAAGCGCCTCATC-3'
Protein context (NP_059106.2, residues 297-317): TNLSERQVTI[Trp307Arg]FQNRRVKEKK